The following is an entry in ClinVar:

ClinVar aggregate classification (germline): Uncertain significance (1 of 4 stars; one submission).

Allele frequency attached by ClinVar (database versions not stated): gnomAD exomes below 0.00001.

Submission:

GeneDx
Classification: Uncertain significance. Last evaluated: 2019-10-30. Review status: criteria provided, single submitter. Criteria: GeneDx Variant Classification Process June 2021. Collection method: clinical testing. Allele origin: germline. Affected: yes.
Comment: Not observed at a significant frequency in large population cohorts (Lek et al., 2016); In silico analysis, which includes splice predictors and evolutionary conservation, suggests this variant may impact gene splicing. In the absence of RNA/functional studies, the actual effect of this sequence change is unknown.; Has not been previously published as pathogenic or benign to our knowledge

NM_001009944.3(PKD1):c.10182A>G (p.Gly3394=)

Gene: PKD1 (polycystin 1, transient receptor potential channel interacting; minus strand). Cytogenetic location: 16p13.3.
Variant type: single nucleotide variant.
Coding change: c.10182A>G on transcript NM_001009944.3 (MANE Select); coding-DNA position 10182, A replaced by G.
Protein change: p.Gly3394=; no amino-acid change (glycine 3394 retained).
Molecular consequence: synonymous variant.
Genome position (GRCh38, 1-based): chr16:2,097,766, T>C on the plus strand (A>G on the coding strand, the complement: PKD1 is on the minus strand). VCF-style: chr16-2097766-T-C. GRCh37 (hg19) VCF-style: chr16-2147767-T-C.
Other names: c.10179A>G, p.Gly3393= (NM_000296.4).
Identifiers: ClinVar variation 1309563 (VCV001309563.2), dbSNP rs1490595478, ClinGen allele CA493045410.